The following is an entry in ClinVar:

NM_201548.5(CERKL):c.354del (p.Gly119fs)

Gene: CERKL (CERK like autophagy regulator; minus strand). Cytogenetic location: 2q31.3.
Variant type: Deletion.
Coding change: c.354del on transcript NM_201548.5 (MANE Select); coding-DNA position 354, one base deleted (A; older notation c.354delA).
Protein change: p.Gly119fs; shifts the reading frame from glycine 119.
Molecular consequence: frameshift variant. On other transcripts: non-coding transcript variant (2).
Genome position (GRCh38, 1-based): chr2:181,603,964, T deleted on the plus strand (A on the coding strand, the reverse complement: CERKL is on the minus strand). VCF-style (leftmost placement, unchanged base first): chr2-181603963-CT-C. GRCh37 (hg19) VCF-style: chr2-182468690-CT-C.
Other names: c.354del, p.Gly119fs (NM_001030311.3, NM_001030312.3, NM_001030313.3 and 1 more transcripts); short protein forms G119fs.
Identifiers: ClinVar variation 3383405 (VCV003383405.2).

ClinVar aggregate classification (germline): Pathogenic (1 of 4 stars; one submission).

Submission:

Centre of Medical Genetics, University Hospital Muenster
Classification: Pathogenic. Last evaluated: 2023-11-02. Review status: criteria provided, single submitter. Criteria: ACMG Guidelines, 2015. Collection method: clinical testing. Allele origin: unknown. Affected: yes. Observed: 1 variant allele, 1 homozygote.
Comment: ACMG categories: PVS1,PM1,PM2